The following is an entry in ClinVar:

ClinVar aggregate classification (germline): Uncertain significance (1 of 4 stars; one submission).

Allele frequency attached by ClinVar (database versions not stated): gnomAD exomes below 0.00001; TOPMed 0.00002.
gnomAD v4.1: 1 of 1,587,920 alleles (0.000063%); highest among the groups gnomAD compares: Non-Finnish European, 0.000086%; no homozygotes.

Submission:

Labcorp Genetics (formerly Invitae), Labcorp
Classification: Uncertain significance. Last evaluated: 2023-10-16. Review status: criteria provided, single submitter. Criteria: Invitae Variant Classification Sherloc (09022015). Collection method: clinical testing. Allele origin: germline.
Comment: This sequence change replaces histidine, which is basic and polar, with asparagine, which is neutral and polar, at codon 120 of the WARS2 protein (p.His120Asn). This variant is not present in population databases (gnomAD no frequency). This variant has not been reported in the literature in individuals affected with WARS2-related conditions. ClinVar contains an entry for this variant (Variation ID: 1984130). Advanced modeling of protein sequence and biophysical properties (such as structural, functional, and spatial information, amino acid conservation, physicochemical variation, residue mobility, and thermodynamic stability) performed at Invitae indicates that this missense variant is expected to disrupt WARS2 protein function. In summary, the available evidence is currently insufficient to determine the role of this variant in disease. Therefore, it has been classified as a Variant of Uncertain Significance.

NM_015836.4(WARS2):c.358C>A (p.His120Asn)

Gene: WARS2 (tryptophanyl tRNA synthetase 2, mitochondrial; minus strand). Cytogenetic location: 1p12.
Variant type: single nucleotide variant.
Coding change: c.358C>A on transcript NM_015836.4 (MANE Select); coding-DNA position 358, C replaced by A.
Protein change: p.His120Asn; replaces histidine 120 with asparagine.
Molecular consequence: missense variant.
Genome position (GRCh38, 1-based): chr1:119,045,653, G>T on the plus strand (C>A on the coding strand, the complement: WARS2 is on the minus strand). VCF-style: chr1-119045653-G-T. GRCh37 (hg19) VCF-style: chr1-119588276-G-T.
Other names: c.289C>A, p.His97Asn (NM_001378226.1, NM_001378227.1); c.187C>A, p.His63Asn (NM_001378228.1); c.100C>A, p.His34Asn (NM_001378229.1); c.76C>A, p.His26Asn (NM_001378230.1); c.358C>A, p.His120Asn (NM_001378231.1, NM_201263.2); short protein forms H97N, H120N, H26N, H34N, H63N.
Identifiers: ClinVar variation 1984130 (VCV001984130.4), dbSNP rs1648735933, ClinGen allele CA341437663.